The following is an entry in ClinVar:

ClinVar aggregate classification (germline): Uncertain significance (1 of 4 stars; one submission).

gnomAD v4.1: 4 of 1,524,358 alleles (0.00026%); highest among the groups gnomAD compares: South Asian, 0.0033%; no homozygotes.

Submission:

Labcorp Genetics (formerly Invitae), Labcorp
Classification: Uncertain significance. Last evaluated: 2024-11-08. Review status: criteria provided, single submitter. Criteria: Invitae Variant Classification Sherloc (09022015). Collection method: clinical testing. Allele origin: germline.
Comment: This sequence change replaces histidine, which is basic and polar, with glutamine, which is neutral and polar, at codon 1707 of the KMT2E protein (p.His1707Gln). This variant is present in population databases (rs769644635, gnomAD 0.003%). This variant has not been reported in the literature in individuals affected with KMT2E-related conditions. An algorithm developed to predict the effect of missense changes on protein structure and function (PolyPhen-2) suggests that this variant is likely to be tolerated. In summary, the available evidence is currently insufficient to determine the role of this variant in disease. Therefore, it has been classified as a Variant of Uncertain Significance.

NM_182931.3(KMT2E):c.5121C>A (p.His1707Gln)

Gene: KMT2E (lysine methyltransferase 2E (inactive); plus strand). Cytogenetic location: 7q22.3.
Variant type: single nucleotide variant.
Coding change: c.5121C>A on transcript NM_182931.3 (MANE Select); coding-DNA position 5121, C replaced by A.
Protein change: p.His1707Gln; replaces histidine 1707 with glutamine.
Molecular consequence: missense variant.
Genome position (GRCh38, 1-based): chr7:105,112,877, C>A. VCF-style: chr7-105112877-C-A. GRCh37 (hg19) VCF-style: chr7-104753324-C-A.
Other names: c.4995C>A, p.His1665Gln (NM_001410908.1); c.5121C>A, p.His1707Gln (NM_018682.4); short protein forms H1707Q, H1665Q.
Identifiers: ClinVar variation 3679103 (VCV003679103.2).
Genomic context (GRCh38, chr7:105,112,877, plus strand): 5'-CCCTCATCACCATCCACCACCCCATCCATCCACAGGACTCCAAGGTCTACAAGCACAACA[C>A]CAGCATGTTGTAAATTCAGCACCCCCACCACCCCCTCCGCCGCCACCTTCCAGTGTTTTG-3'
Protein context (NP_891847.1, residues 1697-1717): STGLQGLQAQ[His1707Gln]QHVVNSAPPP